The following is an entry in ClinVar:

NM_017534.6(MYH2):c.2789A>G (p.Glu930Gly)

Genes: MYHAS (myosin heavy chain gene cluster antisense RNA; plus strand), MYH2 (myosin heavy chain 2; minus strand). Cytogenetic location: 17p13.1.
Variant type: single nucleotide variant.
Coding change: c.2789A>G on transcript NM_017534.6 (MANE Select); coding-DNA position 2789, A replaced by G.
Protein change: p.Glu930Gly; replaces glutamic acid 930 with glycine.
Molecular consequence: missense variant.
Genome position (GRCh38, 1-based): chr17:10,529,983, T>C on the plus strand (A>G on the coding strand, the complement: MYH2 is on the minus strand). VCF-style: chr17-10529983-T-C. GRCh37 (hg19) VCF-style: chr17-10433300-T-C.
Other names: c.2789A>G, p.Glu930Gly (NM_001100112.2); short protein forms E930G.
Identifiers: ClinVar variation 534350 (VCV000534350.6), dbSNP rs1335748239, ClinGen allele CA398142678.

ClinVar aggregate classification (germline): Uncertain significance (1 of 4 stars; one submission).

Conditions:
Myopathy, proximal, and ophthalmoplegia (CMYO6). Also called: MYOPATHY WITH CONGENITAL JOINT CONTRACTURES, OPHTHALMOPLEGIA, AND RIMMED VACUOLES; INCLUSION BODY MYOPATHY 3, AUTOSOMAL DOMINANT; CONGENITAL MYOPATHY 6 WITH OPHTHALMOPLEGIA. Identifiers: Orphanet 363677, Orphanet 79091, MedGen C1854106, MONDO:0011577, OMIM 605637.

Allele frequency attached by ClinVar (database versions not stated): TOPMed below 0.00001; gnomAD 0.00001.

Submission:

Labcorp Genetics (formerly Invitae), Labcorp
Classification: Uncertain significance for Myopathy, proximal, and ophthalmoplegia. Last evaluated: 2017-11-03. Review status: criteria provided, single submitter. Criteria: Invitae Variant Classification Sherloc (09022015). Collection method: clinical testing. Allele origin: germline.
Comment: This sequence change replaces glutamic acid with glycine at codon 930 of the MYH2 protein (p.Glu930Gly). The glutamic acid residue is highly conserved and there is a moderate physicochemical difference between glutamic acid and glycine. This variant is not present in population databases (ExAC no frequency). This variant has not been reported in the literature in individuals with MYH2-related disease. Algorithms developed to predict the effect of missense changes on protein structure and function (SIFT, PolyPhen-2, Align-GVGD) all suggest that this variant is likely to be disruptive, but these predictions have not been confirmed by published functional studies and their clinical significance is uncertain. In summary, the available evidence is currently insufficient to determine the role of this variant in disease. Therefore, it has been classified as a Variant of Uncertain Significance.